The following is an entry in ClinVar:

ClinVar aggregate classification (germline): Pathogenic. Review status: criteria provided, multiple submitters, no conflicts (2 of 4 stars). 2 submissions from 2 submitters: Pathogenic (2). Last evaluated 2024-05-06.

Conditions:
Autoimmune thyroid disease, susceptibility to, 3. Identifiers: MedGen C1842444, MONDO:0011982, OMIM 608175.
Iodotyrosyl coupling defect (TDH3). Also called: THYROID HORMONOGENESIS, GENETIC DEFECT IN, 3; HYPOTHYROIDISM, CONGENITAL, DUE TO DYSHORMONOGENESIS, 3. Identifiers: Orphanet 95716, MedGen C0342194, MONDO:0010135, OMIM 274700.

Allele frequency attached by ClinVar (database versions not stated): gnomAD exomes below 0.00001; TOPMed below 0.00001; ExAC 0.00001.
gnomAD v4.1: 3 of 1,614,210 alleles (0.00019%); highest among the groups gnomAD compares: East Asian, 0.0022%; no homozygotes.

Submissions (2):

Fulgent Genetics
Classification: Pathogenic for Iodotyrosyl coupling defect; Autoimmune thyroid disease, susceptibility to, 3. Last evaluated: 2024-05-06. Review status: criteria provided, single submitter. Criteria: ACMG Guidelines, 2015. Collection method: clinical testing. Allele origin: germline.

Labcorp Genetics (formerly Invitae), Labcorp
Classification: Pathogenic. Last evaluated: 2023-01-13. Review status: criteria provided, single submitter. Criteria: Invitae Variant Classification Sherloc (09022015). Collection method: clinical testing. Allele origin: germline.
Comment: This sequence change creates a premature translational stop signal (p.Arg321*) in the TG gene. It is expected to result in an absent or disrupted protein product. Loss-of-function variants in TG are known to be pathogenic (PMID: 19837936, 23164529). This variant is not present in population databases (gnomAD no frequency). This premature translational stop signal has been observed in individual(s) with congenital hypothyroidism (PMID: 30240412). For these reasons, this variant has been classified as Pathogenic.

Literature cited by the submitters: PubMed 19837936 (cited by Labcorp Genetics (formerly Invitae), Labcorp); PubMed 23164529 (cited by Labcorp Genetics (formerly Invitae), Labcorp); PubMed 30240412 (cited by Labcorp Genetics (formerly Invitae), Labcorp).

NM_003235.5(TG):c.961C>T (p.Arg321Ter)

Gene: TG (thyroglobulin; plus strand). Cytogenetic location: 8q24.22.
Variant type: single nucleotide variant.
Coding change: c.961C>T on transcript NM_003235.5 (MANE Select); coding-DNA position 961, C replaced by T.
Protein change: p.Arg321Ter; replaces arginine 321 with a stop codon.
Molecular consequence: nonsense.
Genome position (GRCh38, 1-based): chr8:132,882,885, C>T. VCF-style: chr8-132882885-C-T. GRCh37 (hg19) VCF-style: chr8-133895130-C-T.
Other names: short protein forms R321*.
Identifiers: ClinVar variation 2910224 (VCV002910224.4), dbSNP rs779043995, ClinGen allele CA4883068.